The following is an entry in ClinVar:

ClinVar aggregate classification (germline): Uncertain significance (1 of 4 stars; one submission).

Conditions:
COG7 congenital disorder of glycosylation (CDG2E). Also called: CONGENITAL DISORDER OF GLYCOSYLATION, TYPE IIe; CDG IIe. Identifiers: Orphanet 79333, MedGen C2931010, MONDO:0012118, OMIM 608779.

Allele frequency attached by ClinVar (database versions not stated): gnomAD exomes below 0.00001.
gnomAD v4.1: 3 of 1,614,276 alleles (0.00019%); highest among the groups gnomAD compares: Non-Finnish European, 0.00025%; no homozygotes.

Submission:

Baylor Genetics
Classification: Uncertain significance for COG7 congenital disorder of glycosylation. Last evaluated: 2020-03-12. Review status: criteria provided, single submitter. Criteria: ACMG Guidelines, 2015. Collection method: clinical testing. Allele origin: unknown. Affected: yes.
Comment: This variant was determined to be of uncertain significance according to ACMG Guidelines, 2015 [PMID:25741868].

NM_153603.4(COG7):c.1150G>T (p.Val384Leu)

Gene: COG7 (component of oligomeric golgi complex 7; minus strand). Cytogenetic location: 16p12.2.
Variant type: single nucleotide variant.
Coding change: c.1150G>T on transcript NM_153603.4 (MANE Select); coding-DNA position 1150, G replaced by T.
Protein change: p.Val384Leu; replaces valine 384 with leucine.
Molecular consequence: missense variant.
Genome position (GRCh38, 1-based): chr16:23,417,109, C>A on the plus strand (G>T on the coding strand, the complement: COG7 is on the minus strand). VCF-style: chr16-23417109-C-A. GRCh37 (hg19) VCF-style: chr16-23428430-C-A.
Other names: short protein forms V384L.
Identifiers: ClinVar variation 1029238 (VCV001029238.1), dbSNP rs966821454, ClinGen allele CA279521516.